The following is an entry in ClinVar:

ClinVar aggregate classification (germline): Uncertain significance. Review status: criteria provided, multiple submitters, no conflicts (2 of 4 stars). 2 submissions from 2 submitters: Uncertain significance (2). Last evaluated 2025-01-25.

Conditions:
Hereditary cancer-predisposing syndrome. Also called: Hereditary neoplastic syndrome; Hereditary Cancer Syndrome; Tumor predisposition; Neoplastic Syndromes, Hereditary. Identifiers: Orphanet 140162, MedGen C0027672, MeSH D009386, MONDO:0015356.
Neuroblastoma, susceptibility to, 3. Also called: ALK-Related Neuroblastic Tumor Susceptibility. Identifiers: Orphanet 635, MedGen C2751681, MONDO:0013083, OMIM 613014.

Allele frequency attached by ClinVar (database versions not stated): gnomAD exomes below 0.00001.
gnomAD v4.1: 1 of 1,613,998 alleles (0.000062%); highest among the groups gnomAD compares: Non-Finnish European, 0.000085%; no homozygotes.

Submissions (2):

Ambry Genetics
Classification: Uncertain significance for Hereditary cancer-predisposing syndrome. Last evaluated: 2025-01-25. Review status: criteria provided, single submitter. Criteria: Ambry Variant Classification Scheme 2023. Collection method: clinical testing. Allele origin: germline.
Comment: The p.H258R variant (also known as c.773A>G), located in coding exon 2 of the ALK gene, results from an A to G substitution at nucleotide position 773. The histidine at codon 258 is replaced by arginine, an amino acid with highly similar properties. This amino acid position is well conserved in available vertebrate species. In addition, this alteration is predicted to be tolerated by in silico analysis. Based on the available evidence, the clinical significance of this variant remains unclear.

Labcorp Genetics (formerly Invitae), Labcorp
Classification: Uncertain significance for Neuroblastoma, susceptibility to, 3. Last evaluated: 2022-11-20. Review status: criteria provided, single submitter. Criteria: Invitae Variant Classification Sherloc (09022015). Collection method: clinical testing. Allele origin: germline.
Comment: Algorithms developed to predict the effect of missense changes on protein structure and function are either unavailable or do not agree on the potential impact of this missense change (SIFT: "Deleterious"; PolyPhen-2: "Possibly Damaging"; Align-GVGD: "Class C0"). In summary, the available evidence is currently insufficient to determine the role of this variant in disease. Therefore, it has been classified as a Variant of Uncertain Significance. ClinVar contains an entry for this variant (Variation ID: 971243). This variant has not been reported in the literature in individuals affected with ALK-related conditions. This variant is not present in population databases (gnomAD no frequency). This sequence change replaces histidine, which is basic and polar, with arginine, which is basic and polar, at codon 258 of the ALK protein (p.His258Arg).

NM_004304.5(ALK):c.773A>G (p.His258Arg)

Gene: ALK (ALK receptor tyrosine kinase; minus strand). Cytogenetic location: 2p23.2.
Variant type: single nucleotide variant.
Coding change: c.773A>G on transcript NM_004304.5 (MANE Select); coding-DNA position 773, A replaced by G.
Protein change: p.His258Arg; replaces histidine 258 with arginine.
Molecular consequence: missense variant.
Genome position (GRCh38, 1-based): chr2:29,717,592, T>C on the plus strand (A>G on the coding strand, the complement: ALK is on the minus strand). VCF-style: chr2-29717592-T-C. GRCh37 (hg19) VCF-style: chr2-29940458-T-C.
Other names: short protein forms H258R.
Identifiers: ClinVar variation 971243 (VCV000971243.9), dbSNP rs770063749, ClinGen allele CA346587632.